The following is an entry in ClinVar:

ClinVar aggregate classification (germline): Conflicting classifications of pathogenicity. Review status: criteria provided, conflicting classifications (1 of 4 stars). 4 submissions from 4 submitters: Pathogenic (1); Likely pathogenic (2); Uncertain significance (1). Last evaluated 2026-02-13.

Conditions:
CEP83-related disorder. Also called: CEP83-related condition.
Nephronophthisis 18 (NPHP18). Identifiers: Orphanet 655, MedGen C3890591, MONDO:0014374, OMIM 615862.

Allele frequency attached by ClinVar (database versions not stated): ExAC 0.00004; TOPMed 0.00005; gnomAD 0.00006.
gnomAD v4.1: 33 of 1,503,342 alleles (0.0022%); highest among the groups gnomAD compares: African/African-American, 0.011%; no homozygotes.

Submissions (4):

OLLIN Analises Genomicas, OLLIN
Classification: Likely pathogenic for Nephronophthisis 18. Last evaluated: 2026-02-13. Review status: criteria provided, single submitter. Criteria: ACMG Guidelines 2015 PMID 25741868. Collection method: clinical testing. Allele origin: germline. Observed: 1 variant allele.
Comment: PVS1, PM2_P

Labcorp Genetics (formerly Invitae), Labcorp
Classification: Pathogenic for Nephronophthisis 18. Last evaluated: 2025-04-17. Review status: criteria provided, single submitter. Criteria: Invitae Variant Classification Sherloc (09022015). Collection method: clinical testing. Allele origin: germline.
Comment: This sequence change creates a premature translational stop signal (p.Arg303*) in the CEP83 gene. It is expected to result in an absent or disrupted protein product. Loss-of-function variants in CEP83 are known to be pathogenic (PMID: 23530209, 24882706). The frequency data for this variant in the population databases is considered unreliable, as metrics indicate poor data quality at this position in the gnomAD database. This variant has not been reported in the literature in individuals affected with CEP83-related conditions. ClinVar contains an entry for this variant (Variation ID: 656543). For these reasons, this variant has been classified as Pathogenic.

GeneDx
Classification: Uncertain significance. Last evaluated: 2024-04-30. Review status: criteria provided, single submitter. Criteria: GeneDx Variant Classification Process June 2021. Collection method: clinical testing. Allele origin: germline. Affected: yes.
Comment: Nonsense variant predicted to result in protein truncation or nonsense mediated decay in a gene for which loss of function is a known mechanism of disease; Has not been previously published as pathogenic or benign to our knowledge; This variant is associated with the following publications: (PMID: 23530209, 24882706)

Blueprint Genetics
Classification: Likely pathogenic for CEP83-related disorders. Last evaluated: 2021-03-08. Review status: criteria provided, single submitter. Criteria: ACMG Guidelines, 2015. Collection method: clinical testing. Allele origin: germline. Affected: yes. Observed: 2 variant alleles.

Literature cited by the submitters: PubMed 23530209 (cited by Labcorp Genetics (formerly Invitae), Labcorp); PubMed 24882706 (cited by Labcorp Genetics (formerly Invitae), Labcorp).

NM_016122.3(CEP83):c.907C>T (p.Arg303Ter)

Gene: CEP83 (centrosomal protein 83; minus strand). Cytogenetic location: 12q22.
Variant type: single nucleotide variant.
Coding change: c.907C>T on transcript NM_016122.3 (MANE Select); coding-DNA position 907, C replaced by T.
Protein change: p.Arg303Ter; replaces arginine 303 with a stop codon.
Molecular consequence: nonsense. On other transcripts: non-coding transcript variant (2).
Genome position (GRCh38, 1-based): chr12:94,375,912, G>A on the plus strand (C>T on the coding strand, the complement: CEP83 is on the minus strand). VCF-style: chr12-94375912-G-A. GRCh37 (hg19) VCF-style: chr12-94769688-G-A.
Other names: c.907C>T, p.Arg303Ter (NM_001042399.2, NM_001346457.2, NM_001346460.2 and 3 more transcripts); c.595C>T, p.Arg199Ter (NM_001346458.2, NM_001346459.2, NM_001346462.2 and 2 more transcripts); c.682C>T, p.Arg228Ter (NM_001368041.1); c.370C>T, p.Arg124Ter (NM_001368042.1); short protein forms R228*, R303*, R124*, R199*.
Identifiers: ClinVar variation 656543 (VCV000656543.9), dbSNP rs757301110, ClinGen allele CA6721809.